The following is an entry in ClinVar:

NM_001101426.4(CRPPA):c.577C>T (p.Pro193Ser)

Gene: CRPPA (CDP-L-ribitol pyrophosphorylase A; minus strand). Cytogenetic location: 7p21.2.
Variant type: single nucleotide variant.
Coding change: c.577C>T on transcript NM_001101426.4 (MANE Select); coding-DNA position 577, C replaced by T.
Protein change: p.Pro193Ser; replaces proline 193 with serine.
Molecular consequence: missense variant. On other transcripts: non-coding transcript variant (1), intron variant (1).
Genome position (GRCh38, 1-based): chr7:16,376,199, G>A on the plus strand (C>T on the coding strand, the complement: CRPPA is on the minus strand). VCF-style: chr7-16376199-G-A. GRCh37 (hg19) VCF-style: chr7-16415824-G-A.
Other names: c.577C>T, p.Pro193Ser (NM_001368197.1); c.534+29862C>T (NM_001101417.4); short protein forms P193S.
Identifiers: ClinVar variation 966269 (VCV000966269.9), dbSNP rs1275411039, ClinGen allele CA367002201.

ClinVar aggregate classification (germline): Uncertain significance. Review status: criteria provided, multiple submitters, no conflicts (2 of 4 stars). 3 submissions from 3 submitters: Uncertain significance (3). Last evaluated 2025-02-20.

Conditions:
Autosomal recessive limb-girdle muscular dystrophy type 2U. Also called: MUSCULAR DYSTROPHY, LIMB-GIRDLE, TYPE 2U; Muscular dystrophy-dystroglycanopathy (limb-girdle), type c, 7. Identifiers: Orphanet 352479, MedGen C5190987, MONDO:0014474, OMIM 616052.
Muscular dystrophy-dystroglycanopathy (congenital with brain and eye anomalies), type A, 7. Also called: Congenital muscular dystrophy-dystroglycanopathy with brain and eye anomalies, type A7; WALKER-WARBURG SYNDROME OR MUSCLE-EYE-BRAIN DISEASE, ISPD-RELATED. Identifiers: Orphanet 899, MedGen C3553330, MONDO:0013835, OMIM 614643.

Allele frequency attached by ClinVar (database versions not stated): gnomAD exomes below 0.00001; TOPMed 0.00002.

Submissions (3):

GeneDx
Classification: Uncertain significance. Last evaluated: 2025-02-20. Review status: criteria provided, single submitter. Criteria: GeneDx Variant Classification Process June 2021. Collection method: clinical testing. Allele origin: germline. Affected: yes.
Comment: Not observed at significant frequency in large population cohorts (gnomAD); Has not been previously published as pathogenic or benign to our knowledge; This variant is associated with the following publications: (PMID: 26687144)

Revvity Omics, Revvity
Classification: Uncertain significance. Last evaluated: 2024-08-29. Review status: criteria provided, single submitter. Criteria: ACMG Guidelines, 2015. Collection method: clinical testing. Allele origin: germline.

Labcorp Genetics (formerly Invitae), Labcorp
Classification: Uncertain significance for Muscular dystrophy-dystroglycanopathy (congenital with brain and eye anomalies), type A, 7; Autosomal recessive limb-girdle muscular dystrophy type 2U. Last evaluated: 2021-09-01. Review status: criteria provided, single submitter. Criteria: Invitae Variant Classification Sherloc (09022015). Collection method: clinical testing. Allele origin: germline.
Comment: This sequence change replaces proline with serine at codon 193 of the ISPD protein (p.Pro193Ser). The proline residue is moderately conserved and there is a moderate physicochemical difference between proline and serine. This variant is not present in population databases (ExAC no frequency). This variant has not been reported in the literature in individuals affected with ISPD-related conditions. Algorithms developed to predict the effect of missense changes on protein structure and function (SIFT, PolyPhen-2, Align-GVGD) all suggest that this variant is likely to be tolerated. In summary, the available evidence is currently insufficient to determine the role of this variant in disease. Therefore, it has been classified as a Variant of Uncertain Significance.